The following is an entry in ClinVar:

ClinVar aggregate classification (germline): Likely benign. Review status: criteria provided, multiple submitters, no conflicts (2 of 4 stars). 4 submissions from 4 submitters: Likely benign (3). 1 of the submissions does not count toward it. Last evaluated 2025-12-08.

Conditions:
Autosomal recessive limb-girdle muscular dystrophy type 2Q (LGMDR17). Also called: MUSCULAR DYSTROPHY, LIMB-GIRDLE, AUTOSOMAL RECESSIVE 17. Identifiers: Orphanet 254361, MedGen C3150989, MONDO:0013390, OMIM 613723.
Epidermolysis bullosa simplex with nail dystrophy (EBS5D). Identifiers: MedGen C4225309, MONDO:0014661, OMIM 616487.
Epidermolysis bullosa simplex 5C, with pyloric atresia (EBS5C). Also called: PLEC1-Related Epidermolysis Bullosa with Pyloric Atresia; PLEC-Related Epidermolysis Bullosa with Pyloric Atresia; Epidermolysis bullosa simplex with pyloric atresia. Identifiers: Orphanet 158684, MedGen C2677349, MONDO:0012807, OMIM 612138.
Epidermolysis bullosa simplex, Ogna type (EBS5A). Also called: Pidermolysis bullosa simplex 5A, Ogna type; EPIDERMOLYSIS BULLOSA SIMPLEX 5A, OGNA TYPE. Identifiers: Orphanet 79401, MedGen C0432317, MONDO:0007555, OMIM 131950.
Epidermolysis bullosa simplex 5B, with muscular dystrophy (EBS5B). Also called: Epidermolysis bullosa simplex with muscular dystrophy; EPIDERMOLYSIS BULLOSA SIMPLEX AND LIMB-GIRDLE MUSCULAR DYSTROPHY. Identifiers: Orphanet 257, MedGen C2931072, MONDO:0009181, OMIM 226670.
PLEC-related disorder. Also called: PLEC-related condition; PLEC-related disorders.

Allele frequency attached by ClinVar (database versions not stated): gnomAD exomes 0.00006 and 0.00008; gnomAD 0.00007; TOPMed 0.00009; 1000 Genomes Project 30x 0.00016; ExAC 0.00017.
gnomAD v4.1: 91 of 1,588,798 alleles (0.0057%); highest among the groups gnomAD compares: Middle Eastern, 0.12%; no homozygotes.

Submissions (4):

Labcorp Genetics (formerly Invitae), Labcorp
Classification: Likely benign for Autosomal recessive limb-girdle muscular dystrophy type 2Q; Epidermolysis bullosa simplex, Ogna type; Epidermolysis bullosa simplex with nail dystrophy; Epidermolysis bullosa simplex 5C, with pyloric atresia; Epidermolysis bullosa simplex 5B, with muscular dystrophy. Last evaluated: 2025-12-08. Review status: criteria provided, single submitter. Criteria: Invitae Variant Classification Sherloc (09022015). Collection method: clinical testing. Allele origin: germline.

Blueprint Genetics
Classification: Likely benign. Last evaluated: 2024-10-08. Review status: criteria provided, single submitter. Criteria: ACMG Guidelines, 2015. Collection method: clinical testing. Allele origin: germline.

Athena Diagnostics
Classification: Likely benign. Last evaluated: 2016-10-28. Review status: criteria provided, single submitter. Criteria: Athena Diagnostics Criteria. Collection method: clinical testing. Allele origin: germline.

PreventionGenetics, part of Exact Sciences
Classification: Likely benign for PLEC-related condition. Last evaluated: 2019-07-23. Review status: no assertion criteria provided. Collection method: clinical testing. Allele origin: germline. Not counted in ClinVar's aggregate classification.
Comment: This variant is classified as likely benign based on ACMG/AMP sequence variant interpretation guidelines (Richards et al. 2015 PMID: 25741868, with internal and published modifications).

NM_201384.3(PLEC):c.5037G>A (p.Ala1679=)

Gene: PLEC (plectin; minus strand). Cytogenetic location: 8q24.3.
Variant type: single nucleotide variant.
Coding change: c.5037G>A on transcript NM_201384.3 (MANE Select); coding-DNA position 5037, G replaced by A.
Protein change: p.Ala1679=; no amino-acid change (alanine 1679 retained).
Molecular consequence: synonymous variant.
Genome position (GRCh38, 1-based): chr8:143,924,892, C>T on the plus strand (G>A on the coding strand, the complement: PLEC is on the minus strand). VCF-style: chr8-143924892-C-T. GRCh37 (hg19) VCF-style: chr8-144999060-C-T.
Other names: c.5118G>A, p.Ala1706= (NM_000445.5); c.4995G>A, p.Ala1665= (NM_201378.4); c.4971G>A, p.Ala1657= (NM_201379.3); c.5448G>A, p.Ala1816= (NM_201380.4); c.4941G>A, p.Ala1647= (NM_201381.3); c.5037G>A, p.Ala1679= (NM_201382.4); c.5049G>A, p.Ala1683= (NM_201383.3); c.5118G>A (NM_000445.4).
Identifiers: ClinVar variation 448072 (VCV000448072.11), dbSNP rs782627006, ClinGen allele CA4926449.